The following is an entry in ClinVar:

NM_013451.4(MYOF):c.3035A>C (p.Glu1012Ala)

Gene: MYOF (myoferlin; minus strand). Cytogenetic location: 10q23.33.
Variant type: single nucleotide variant.
Coding change: c.3035A>C on transcript NM_013451.4 (MANE Select); coding-DNA position 3035, A replaced by C.
Protein change: p.Glu1012Ala; replaces glutamic acid 1012 with alanine.
Molecular consequence: missense variant.
Genome position (GRCh38, 1-based): chr10:93,359,918, T>G on the plus strand (A>C on the coding strand, the complement: MYOF is on the minus strand). VCF-style: chr10-93359918-T-G. GRCh37 (hg19) VCF-style: chr10-95119675-T-G.
Other names: c.2996A>C, p.Glu999Ala (NM_133337.3); short protein forms E1012A, E999A.
Identifiers: ClinVar variation 4555359 (VCV004555359.1).

ClinVar aggregate classification (germline): Uncertain significance (1 of 4 stars; one submission).

gnomAD v4.1: 105 of 1,614,090 alleles (0.0065%); highest among the groups gnomAD compares: Non-Finnish European, 0.0087%; no homozygotes.

Submission:

Ambry Genetics
Classification: Uncertain significance. Last evaluated: 2025-10-14. Review status: criteria provided, single submitter. Criteria: Ambry Variant Classification Scheme 2023. Collection method: clinical testing. Allele origin: germline.
Comment: The c.3035A>C (p.E1012A) alteration is located in exon 29 (coding exon 29) of the MYOF gene. This alteration results from a A to C substitution at nucleotide position 3035, causing the glutamic acid (E) at amino acid position 1012 to be replaced by an alanine (A). Based on data from gnomAD, the C allele has an overall frequency of 0.006% (15/249572) total alleles studied. The highest observed frequency was 0.012% (14/113286) of European (non-Finnish) alleles. Based on insufficient or conflicting evidence, the clinical significance of this alteration remains unclear.